The following is an entry in ClinVar:

ClinVar aggregate classification (germline): Likely benign (1 of 4 stars; one submission).

Submission:

CeGaT Center for Human Genetics Tuebingen
Classification: Likely benign. Last evaluated: 2026-04-01. Review status: criteria provided, single submitter. Criteria: CeGaT Center For Human Genetics Tuebingen Variant Classification Criteria Version 2. Collection method: clinical testing. Allele origin: germline. Affected: yes. Observed: 1 variant allele.
Comment: CHD1: PM2:Supporting, BP4, BP7

NM_001270.4(CHD1):c.492A>T (p.Ser164=)

Gene: CHD1 (chromodomain helicase DNA binding protein 1; minus strand). Cytogenetic location: 5q21.1.
Variant type: single nucleotide variant.
Coding change: c.492A>T on transcript NM_001270.4 (MANE Select); coding-DNA position 492, A replaced by T.
Protein change: p.Ser164=; no amino-acid change (serine 164 retained).
Molecular consequence: synonymous variant. On other transcripts: non-coding transcript variant (2).
Genome position (GRCh38, 1-based): chr5:98,901,281, T>A on the plus strand (A>T on the coding strand, the complement: CHD1 is on the minus strand). VCF-style: chr5-98901281-T-A. GRCh37 (hg19) VCF-style: chr5-98236985-T-A.
Other names: c.492A>T, p.Ser164= (NM_001364113.3, NM_001376194.2).
Identifiers: ClinVar variation 4872411 (VCV004872411.2).
Genomic context (GRCh38, chr5:98,901,281, plus strand): 5'-TGGCTCATAATCAGATTCTGTTTCATCACAACTGCTTTTCTCTCTCTCTTCTTCAGATTC[T>A]GAATCTGAACCAGACTGAGATGGAGATCCTGACCCAGACATTTGCCAATCTTCACTGCAG-3'
Protein context (NP_001261.2, residues 154-174): SGSPSQSGSD[Ser164=]ESEEEREKSS